The following is an entry in ClinVar:

ClinVar aggregate classification (germline): Uncertain significance (1 of 4 stars; one submission).

Conditions:
Spastic paraplegia. Identifiers: MedGen C0037772, HP:0001258.

Submission:

Labcorp Genetics (formerly Invitae), Labcorp
Classification: Uncertain significance for Spastic paraplegia. Last evaluated: 2022-01-28. Review status: criteria provided, single submitter. Criteria: Invitae Variant Classification Sherloc (09022015). Collection method: clinical testing. Allele origin: germline.
Comment: Algorithms developed to predict the effect of missense changes on protein structure and function are either unavailable or do not agree on the potential impact of this missense change (SIFT: "Deleterious"; PolyPhen-2: "Probably Damaging"; Align-GVGD: "Class C0"). This sequence change replaces histidine, which is basic and polar, with glutamine, which is neutral and polar, at codon 128 of the AP4E1 protein (p.His128Gln). This variant is not present in population databases (gnomAD no frequency). This variant has not been reported in the literature in individuals affected with AP4E1-related conditions. In summary, the available evidence is currently insufficient to determine the role of this variant in disease. Therefore, it has been classified as a Variant of Uncertain Significance.

NM_007347.5(AP4E1):c.384T>G (p.His128Gln)

Gene: AP4E1 (adaptor related protein complex 4 subunit epsilon 1; plus strand). Cytogenetic location: 15q21.2.
Variant type: single nucleotide variant.
Coding change: c.384T>G on transcript NM_007347.5 (MANE Select); coding-DNA position 384, T replaced by G.
Protein change: p.His128Gln; replaces histidine 128 with glutamine.
Molecular consequence: missense variant.
Genome position (GRCh38, 1-based): chr15:50,923,968, T>G. VCF-style: chr15-50923968-T-G. GRCh37 (hg19) VCF-style: chr15-51216165-T-G.
Other names: c.159T>G, p.His53Gln (NM_001252127.2); short protein forms H53Q, H128Q.
Identifiers: ClinVar variation 2090975 (VCV002090975.4), dbSNP rs2504690887, ClinGen allele CA392414629.